The following is an entry in ClinVar:

NM_021076.4(NEFH):c.2566A>G (p.Lys856Glu)

Gene: NEFH (neurofilament heavy chain; plus strand). Cytogenetic location: 22q12.2.
Variant type: single nucleotide variant.
Coding change: c.2566A>G on transcript NM_021076.4 (MANE Select); coding-DNA position 2566, A replaced by G.
Protein change: p.Lys856Glu; replaces lysine 856 with glutamic acid.
Molecular consequence: missense variant.
Genome position (GRCh38, 1-based): chr22:29,490,206, A>G. VCF-style: chr22-29490206-A-G. GRCh37 (hg19) VCF-style: chr22-29886195-A-G.
Other names: c.2566A>G (NM_021076.3); short protein forms K856E.
Identifiers: ClinVar variation 1962685 (VCV001962685.6), dbSNP rs2063072618, ClinGen allele CA411138109.
Genomic context (GRCh38, chr22:29,490,206, plus strand): 5'-AAAGAGCCCCCAAAGAAGGCAGAGGAAGAGAAAGCCCCTGCCACACCAAAAACAGAGGAG[A>G]AGAAGGACAGCAAGAAAGAGGAGGCACCCAAGAAGGAGGCTCCAAAGCCCAAGGTGGAGG-3'
Protein context (NP_066554.2, residues 846-866): KAPATPKTEE[Lys856Glu]KDSKKEEAPK

ClinVar aggregate classification (germline): Uncertain significance. Review status: criteria provided, multiple submitters, no conflicts (2 of 4 stars). 2 submissions from 2 submitters: Uncertain significance (2). Last evaluated 2023-02-07.

Conditions:
Inborn genetic diseases. Identifiers: MedGen C0950123, MeSH D030342.

Allele frequency attached by ClinVar (database versions not stated): gnomAD exomes below 0.00001; TOPMed 0.00001.

Submissions (2):

Ambry Genetics
Classification: Uncertain significance for Inborn genetic diseases. Last evaluated: 2023-02-07. Review status: criteria provided, single submitter. Criteria: Ambry Variant Classification Scheme 2023. Collection method: clinical testing. Allele origin: germline.

Labcorp Genetics (formerly Invitae), Labcorp
Classification: Uncertain significance. Last evaluated: 2022-06-23. Review status: criteria provided, single submitter. Criteria: Invitae Variant Classification Sherloc (09022015). Collection method: clinical testing. Allele origin: germline.
Comment: This variant has not been reported in the literature in individuals affected with NEFH-related conditions. In summary, the available evidence is currently insufficient to determine the role of this variant in disease. Therefore, it has been classified as a Variant of Uncertain Significance. Advanced modeling of protein sequence and biophysical properties (such as structural, functional, and spatial information, amino acid conservation, physicochemical variation, residue mobility, and thermodynamic stability) performed at Invitae indicates that this missense variant is not expected to disrupt NEFH protein function. This variant is not present in population databases (gnomAD no frequency). This sequence change replaces lysine, which is basic and polar, with glutamic acid, which is acidic and polar, at codon 856 of the NEFH protein (p.Lys856Glu).